The following is an entry in ClinVar:

NM_003647.3(DGKE):c.142_143del (p.Gln48fs)

Gene: DGKE (diacylglycerol kinase epsilon; plus strand). Cytogenetic location: 17q22.
Variant type: Deletion.
Coding change: c.142_143del on transcript NM_003647.3 (MANE Select); coding-DNA positions 142 to 143, 2 bases deleted (CA; older notation c.142_143delCA).
Protein change: p.Gln48fs; shifts the reading frame from glutamine 48.
Molecular consequence: frameshift variant.
Genome position (GRCh38, 1-based): chr17:56,834,937-56,834,938, CA deleted. VCF-style (leftmost placement, unchanged base first): chr17-56834936-GCA-G. GRCh37 (hg19) VCF-style: chr17-54912297-GCA-G.
Other names: short protein forms Q48fs.
Identifiers: ClinVar variation 4292482 (VCV004292482.1).

ClinVar aggregate classification (germline): Pathogenic (1 of 4 stars; one submission).

Conditions:
Immunoglobulin-mediated membranoproliferative glomerulonephritis. Also called: NEPHROTIC SYNDROME, TYPE 7, WITH MEMBRANOPROLIFERATIVE GLOMERULONEPHRITIS; Nephrotic syndrome, type 7. Identifiers: Orphanet 329903, MedGen C3554330, MONDO:0014005, OMIM 615008.

Submission:

3billion
Classification: Pathogenic for Immunoglobulin-mediated membranoproliferative glomerulonephritis. Last evaluated: 2025-03-04. Review status: criteria provided, single submitter. Criteria: ACMG Guidelines, 2015. Collection method: clinical testing. Allele origin: germline. Affected: yes.
Comment: The variant is not observed in the gnomAD v4.1.0 dataset. Predicted Consequence/Location: Frameshift: predicted to result in a loss or disruption of normal protein function through nonsense-mediated decay (NMD) or protein truncation. Multiple pathogenic variants are reported downstream of the variant. Therefore, this variant is classified as Pathogenic according to the recommendation of ACMG/AMP guideline.